The following is an entry in ClinVar:

ClinVar aggregate classification (germline): Uncertain significance. Review status: criteria provided, multiple submitters, no conflicts (2 of 4 stars). 2 submissions from 2 submitters: Uncertain significance (2). Last evaluated 2022-10-04.

Conditions:
Chédiak-Higashi syndrome (CHS). Also called: Chediak-Higashi Syndrome. Identifiers: Orphanet 167, MedGen C0007965, MONDO:0008963, OMIM 214500.

Allele frequency attached by ClinVar (database versions not stated): ExAC 0.00001; gnomAD 0.00001; TOPMed 0.00001; ESP Exome Variant Server 0.00015.
gnomAD v4.1: 2 of 1,613,940 alleles (0.00012%); highest among the groups gnomAD compares: African/African-American, 0.0027%; no homozygotes.

Submissions (2):

Labcorp Genetics (formerly Invitae), Labcorp
Classification: Uncertain significance for Chédiak-Higashi syndrome. Last evaluated: 2022-10-04. Review status: criteria provided, single submitter. Criteria: Invitae Variant Classification Sherloc (09022015). Collection method: clinical testing. Allele origin: germline.
Comment: This sequence change replaces tyrosine, which is neutral and polar, with aspartic acid, which is acidic and polar, at codon 2286 of the LYST protein (p.Tyr2286Asp). This variant is present in population databases (rs375297185, gnomAD 0.008%). This variant has not been reported in the literature in individuals affected with LYST-related conditions. Advanced modeling of protein sequence and biophysical properties (such as structural, functional, and spatial information, amino acid conservation, physicochemical variation, residue mobility, and thermodynamic stability) performed at Invitae indicates that this missense variant is not expected to disrupt LYST protein function. In summary, the available evidence is currently insufficient to determine the role of this variant in disease. Therefore, it has been classified as a Variant of Uncertain Significance.

Revvity Omics, Revvity
Classification: Uncertain significance for Chédiak-Higashi syndrome. Last evaluated: 2019-07-15. Review status: criteria provided, single submitter. Criteria: ACMG Guidelines, 2015. Collection method: clinical testing. Allele origin: germline.

NM_000081.4(LYST):c.6856T>G (p.Tyr2286Asp)

Gene: LYST (lysosomal trafficking regulator; minus strand). Cytogenetic location: 1q42.3.
Variant type: single nucleotide variant.
Coding change: c.6856T>G on transcript NM_000081.4 (MANE Select); coding-DNA position 6856, T replaced by G.
Protein change: p.Tyr2286Asp; replaces tyrosine 2286 with aspartic acid.
Molecular consequence: missense variant.
Genome position (GRCh38, 1-based): chr1:235,758,997, A>C on the plus strand (T>G on the coding strand, the complement: LYST is on the minus strand). VCF-style: chr1-235758997-A-C. GRCh37 (hg19) VCF-style: chr1-235922297-A-C.
Other names: c.6856T>G, p.Tyr2286Asp (NM_001301365.1); short protein forms Y2286D.
Identifiers: ClinVar variation 2163238 (VCV002163238.4), dbSNP rs375297185, ClinGen allele CA1466291.